The following is an entry in ClinVar:

NM_001041.4(SI):c.2029C>T (p.Gln677Ter)

Gene: SI (sucrase-isomaltase; minus strand). Cytogenetic location: 3q26.1.
Variant type: single nucleotide variant.
Coding change: c.2029C>T on transcript NM_001041.4 (MANE Select); coding-DNA position 2029, C replaced by T.
Protein change: p.Gln677Ter; replaces glutamine 677 with a stop codon.
Molecular consequence: nonsense.
Genome position (GRCh38, 1-based): chr3:165,041,070, G>A on the plus strand (C>T on the coding strand, the complement: SI is on the minus strand). VCF-style: chr3-165041070-G-A. GRCh37 (hg19) VCF-style: chr3-164758858-G-A.
Other names: short protein forms Q677*.
Identifiers: ClinVar variation 4845741 (VCV004845741.1).

ClinVar aggregate classification (germline): Likely pathogenic (1 of 4 stars; one submission).

Conditions:
Sucrase-isomaltase deficiency (CSID). Also called: Deficiency of isomaltase; Congenital sucrose isomaltose malabsorption; Sucrose isomaltose enzyme deficiency; SI DEFICIENCY. Identifiers: Orphanet 35122, MedGen C1283620, MONDO:0009114, OMIM 222900.

Submission:

First Genomix Gene Laboratory, Genetic Diagnostics Department
Classification: Likely pathogenic for Sucrase-isomaltase deficiency. Last evaluated: 2025-01-08. Review status: criteria provided, single submitter. Criteria: ACMG Guidelines, 2015. Collection method: clinical testing. Allele origin: germline. Inheritance: Autosomal recessive inheritance. Affected: no. Observed: 1 variant allele.